The following is an entry in ClinVar:

ClinVar aggregate classification (germline): Uncertain significance (1 of 4 stars; one submission).

Conditions:
Gamma-aminobutyric acid transaminase deficiency (GABATD). Also called: GABA aminotransaminase deficiency; GABA transaminase deficiency; Gamma aminobutyrate transaminase deficiency; 4 alpha aminobutyrate transaminase deficiency. Identifiers: Orphanet 2066, MedGen C0342708, MONDO:0013166, OMIM 613163.

Submission:

Labcorp Genetics (formerly Invitae), Labcorp
Classification: Uncertain significance for Gamma-aminobutyric acid transaminase deficiency. Last evaluated: 2024-10-16. Review status: criteria provided, single submitter. Criteria: Invitae Variant Classification Sherloc (09022015). Collection method: clinical testing. Allele origin: germline.
Comment: This sequence change replaces alanine, which is neutral and non-polar, with valine, which is neutral and non-polar, at codon 457 of the ABAT protein (p.Ala457Val). This variant is not present in population databases (gnomAD no frequency). This variant has not been reported in the literature in individuals affected with ABAT-related conditions. ClinVar contains an entry for this variant (Variation ID: 1482345). Invitae Evidence Modeling of protein sequence and biophysical properties (such as structural, functional, and spatial information, amino acid conservation, physicochemical variation, residue mobility, and thermodynamic stability) indicates that this missense variant is not expected to disrupt ABAT protein function with a negative predictive value of 80%. In summary, the available evidence is currently insufficient to determine the role of this variant in disease. Therefore, it has been classified as a Variant of Uncertain Significance.

NM_020686.6(ABAT):c.1370C>T (p.Ala457Val)

Gene: ABAT (4-aminobutyrate aminotransferase; plus strand). Cytogenetic location: 16p13.2.
Variant type: single nucleotide variant.
Coding change: c.1370C>T on transcript NM_020686.6 (MANE Select); coding-DNA position 1370, C replaced by T.
Protein change: p.Ala457Val; replaces alanine 457 with valine.
Molecular consequence: missense variant. On other transcripts: intron variant (1).
Genome position (GRCh38, 1-based): chr16:8,779,579, C>T. VCF-style: chr16-8779579-C-T. GRCh37 (hg19) VCF-style: chr16-8873436-C-T.
Other names: c.1370C>T, p.Ala457Val (NM_000663.5, NM_001127448.2, NM_001386600.1 and 5 more transcripts); c.1331C>T, p.Ala444Val (NM_001386605.1); c.1307C>T, p.Ala436Val (NM_001386606.1, NM_001386607.1); c.1277C>T, p.Ala426Val (NM_001386608.1); c.1235C>T, p.Ala412Val (NM_001386610.1, NM_001386611.1); c.1172C>T, p.Ala391Val (NM_001386612.1, NM_001386613.1); c.1124C>T, p.Ala375Val (NM_001386614.1); c.1466C>T, p.Ala489Val (NM_001386615.1); and 1 more; short protein forms A375V, A391V, A436V, A457V, A412V, A426V, A444V, A489V.
Identifiers: ClinVar variation 1482345 (VCV001482345.8), dbSNP rs769027199, ClinGen allele CA394690731.